The following is an entry in ClinVar:

NM_014159.7(SETD2):c.4920G>T (p.Trp1640Cys)

Gene: SETD2 (SET domain containing 2, histone lysine methyltransferase; minus strand). Cytogenetic location: 3p21.31.
Variant type: single nucleotide variant.
Coding change: c.4920G>T on transcript NM_014159.7 (MANE Select); coding-DNA position 4920, G replaced by T.
Protein change: p.Trp1640Cys; replaces tryptophan 1640 with cysteine.
Molecular consequence: missense variant. On other transcripts: non-coding transcript variant (1).
Genome position (GRCh38, 1-based): chr3:47,101,553, C>A on the plus strand (G>T on the coding strand, the complement: SETD2 is on the minus strand). VCF-style: chr3-47101553-C-A. GRCh37 (hg19) VCF-style: chr3-47143043-C-A.
Other names: c.4788G>T, p.Trp1596Cys (NM_001349370.3); short protein forms W1596C, W1640C.
Identifiers: ClinVar variation 4530254 (VCV004530254.1).

ClinVar aggregate classification (somatic clinical impact): Tier II - Potential (1 of 4 stars; one submission).

Conditions:
Pilocytic astrocytoma. Also called: Pilocytic astrocytoma, somatic. Identifiers: Orphanet 251612, MedGen C0334583, MONDO:0016691, HP:0033680.

Submission:

Institute for Genomic Medicine (IGM) Clinical Laboratory, Nationwide Children's Hospital
Classification: Tier II - Potential for Pilocytic astrocytoma. Assertion type: diagnostic. Clinical significance: supports diagnosis. Last evaluated: 2023-03-17. Review status: criteria provided, single submitter. Criteria: AMP/ASCO/CAP Guidelines, 2017. Collection method: clinical testing. Allele origin: somatic. Affected: yes.
Comment: Variant has Tier II (potential) clinical significance as a diagnostic inclusion criterion in pilocytic astrocytoma, based on the following evidence: 1) Documented in one or more cancer databases (e.g., St. Jude Pecan, COSMIC, CIViC, OncoKB). 2) Assists in diagnosis alone or along with other biomarkers based on small studies or few case reports (Evidence Level D; PMID: 30419952).

Literature cited by the submitters: PubMed 30419952.